The following is an entry in ClinVar:

ClinVar aggregate classification (germline): Uncertain significance. Review status: criteria provided, multiple submitters, no conflicts (2 of 4 stars). 2 submissions from 2 submitters: Uncertain significance (2). Last evaluated 2025-08-25.

Conditions:
Inborn genetic diseases. Identifiers: MedGen C0950123, MeSH D030342.

Allele frequency attached by ClinVar (database versions not stated): gnomAD exomes 0.00002; ExAC 0.00004; gnomAD 0.00005; TOPMed 0.00005; ESP Exome Variant Server 0.00023.
gnomAD v4.1: 34 of 1,613,648 alleles (0.0021%); highest among the groups gnomAD compares: African/African-American, 0.008%; no homozygotes.

Submissions (2):

Ambry Genetics
Classification: Uncertain significance for Inborn genetic diseases. Last evaluated: 2025-08-25. Review status: criteria provided, single submitter. Criteria: Ambry Variant Classification Scheme 2023. Collection method: clinical testing. Allele origin: germline.

Labcorp Genetics (formerly Invitae), Labcorp
Classification: Uncertain significance. Last evaluated: 2025-06-12. Review status: criteria provided, single submitter. Criteria: Invitae Variant Classification Sherloc (09022015). Collection method: clinical testing. Allele origin: germline.
Comment: This sequence change replaces arginine, which is basic and polar, with histidine, which is basic and polar, at codon 1231 of the ALPK1 protein (p.Arg1231His). This variant is present in population databases (rs147722416, gnomAD 0.02%). This variant has not been reported in the literature in individuals affected with ALPK1-related conditions. ClinVar contains an entry for this variant (Variation ID: 2900957). An algorithm developed to predict the effect of missense changes on protein structure and function outputs the following: PolyPhen-2: "Benign". The histidine amino acid residue is found in multiple mammalian species, which suggests that this missense change does not adversely affect protein function. In summary, the available evidence is currently insufficient to determine the role of this variant in disease. Therefore, it has been classified as a Variant of Uncertain Significance.

NM_025144.4(ALPK1):c.3692G>A (p.Arg1231His)

Gene: ALPK1 (alpha kinase 1; plus strand). Cytogenetic location: 4q25.
Variant type: single nucleotide variant.
Coding change: c.3692G>A on transcript NM_025144.4 (MANE Select); coding-DNA position 3692, G replaced by A.
Protein change: p.Arg1231His; replaces arginine 1231 with histidine.
Molecular consequence: missense variant.
Genome position (GRCh38, 1-based): chr4:112,441,070, G>A. VCF-style: chr4-112441070-G-A. GRCh37 (hg19) VCF-style: chr4-113362226-G-A.
Other names: c.3692G>A (NM_025144.3); c.3692G>A, p.Arg1231His (NM_001102406.2); c.3458G>A, p.Arg1153His (NM_001253884.2); short protein forms R1231H, R1153H.
Identifiers: ClinVar variation 2900957 (VCV002900957.4), dbSNP rs147722416, ClinGen allele CA3047255.